The following is an entry in ClinVar:

ClinVar aggregate classification (germline): Uncertain significance (1 of 4 stars; one submission).

Submission:

Women's Health and Genetics/Laboratory Corporation of America, LabCorp
Classification: Uncertain significance. Last evaluated: 2025-06-17. Review status: criteria provided, single submitter. Criteria: LabCorp Variant Classification Summary - May 2015. Collection method: clinical testing. Allele origin: germline.
Comment: Variant summary: The variant involves the duplication of exons 1-5 in the PIGB gene. A presumed nomenclature of c.(?_-30)_(653+1_654-1)dup has been designated for the purposes of this classification. The exact breakpoint at the 5' end of this variant is unknown, therefore this duplication may extend upstream of the annotated region of this gene. It is predicted to duplicate a segment including the initiation codon, therefore its impact on the encoded protein is unknown. The variant was absent in 21694 control chromosomes. The available data on variant occurrences in the general population are insufficient to allow any conclusion about variant significance. To our knowledge, no occurrence of c.(?_-30)_(653+1_654-1)dup in individuals affected with Developmental And Epileptic Encephalopathy, 80 and no experimental evidence demonstrating its impact on protein function have been reported. No submitters have cited clinical-significance assessments for this variant to ClinVar. Based on the evidence outlined above, the variant was classified as uncertain significance.

NC_000015.9:g.(?_55611419)_(55622053_55626064)dup

Gene: PIGB (phosphatidylinositol glycan anchor biosynthesis class B; plus strand). Cytogenetic location: 15q21.3.
Variant type: Duplication.
Identifiers: ClinVar variation 3907036 (VCV003907036.1).